The following is an entry in ClinVar:

ClinVar aggregate classification (germline): Uncertain significance (1 of 4 stars; one submission).

Conditions:
Cardiovascular phenotype. Identifiers: MedGen CN230736.

gnomAD v4.1: 6 of 1,595,186 alleles (0.00038%); highest among the groups gnomAD compares: Non-Finnish European, 0.00052%; no homozygotes.

Submission:

Ambry Genetics
Classification: Uncertain significance for Cardiovascular phenotype. Last evaluated: 2025-06-07. Review status: criteria provided, single submitter. Criteria: Ambry Variant Classification Scheme 2023. Collection method: clinical testing. Allele origin: germline.
Comment: The p.A204V variant (also known as c.611C>T), located in coding exon 5 of the GPD1L gene, results from a C to T substitution at nucleotide position 611. The alanine at codon 204 is replaced by valine, an amino acid with similar properties. This amino acid position is conserved. In addition, the in silico prediction for this alteration is inconclusive. Based on the available evidence, the clinical significance of this variant remains unclear.

NM_015141.4(GPD1L):c.611C>T (p.Ala204Val)

Gene: GPD1L (glycerol-3-phosphate dehydrogenase 1 like; plus strand). Cytogenetic location: 3p22.3.
Variant type: single nucleotide variant.
Coding change: c.611C>T on transcript NM_015141.4 (MANE Select); coding-DNA position 611, C replaced by T.
Protein change: p.Ala204Val; replaces alanine 204 with valine.
Molecular consequence: missense variant.
Genome position (GRCh38, 1-based): chr3:32,146,727, C>T. VCF-style: chr3-32146727-C-T. GRCh37 (hg19) VCF-style: chr3-32188219-C-T.
Other names: short protein forms A204V.
Identifiers: ClinVar variation 4031241 (VCV004031241.1).